The following is an entry in ClinVar:

NM_001029883.3(PCARE):c.3739G>A (p.Gly1247Ser)

Gene: PCARE (photoreceptor cilium actin regulator; minus strand). Cytogenetic location: 2p23.2.
Variant type: single nucleotide variant.
Coding change: c.3739G>A on transcript NM_001029883.3 (MANE Select); coding-DNA position 3739, G replaced by A.
Protein change: p.Gly1247Ser; replaces glycine 1247 with serine.
Molecular consequence: missense variant.
Genome position (GRCh38, 1-based): chr2:29,064,997, C>T on the plus strand (G>A on the coding strand, the complement: PCARE is on the minus strand). VCF-style: chr2-29064997-C-T. GRCh37 (hg19) VCF-style: chr2-29287863-C-T.
Other names: short protein forms G1247S.
Identifiers: ClinVar variation 195107 (VCV000195107.32), dbSNP rs187333111, ClinGen allele CA201562.

ClinVar aggregate classification (germline): Benign/Likely benign. Review status: criteria provided, multiple submitters, no conflicts (2 of 4 stars). 10 submissions from 10 submitters: Benign (3); Likely benign (5). 2 of the submissions do not count toward it. Last evaluated 2026-01-26.

Conditions:
Retinal dystrophy. Also called: Inherited retinal dystrophy. Identifiers: Orphanet 71862, MedGen C0854723, MeSH D058499, MONDO:0019118, HP:0000556.
Retinitis pigmentosa (RP). Identifiers: Orphanet 791, MedGen C0035334, MeSH D012174, MONDO:0019200, OMIM 268000. Inheritance: Autosomal dominant, autosomal recessive and X linked inheritance.
Retinitis pigmentosa 54 (RP54). Identifiers: Orphanet 791, MedGen C3150691, MONDO:0013263, OMIM 613428.

Allele frequency attached by ClinVar (database versions not stated): ESP Exome Variant Server 0.00416; gnomAD 0.00459 and 0.00365; gnomAD exomes 0.00725 and 0.00827; 1000 Genomes Project 30x 0.00906; 1000 Genomes Project 0.00938; ExAC 0.01549; TOPMed 0.00388.
gnomAD v4.1: 10,992 of 1,573,766 alleles (0.7%); highest among the groups gnomAD compares: South Asian, 3.3%; 97 homozygotes.

Submissions (10):

Labcorp Genetics (formerly Invitae), Labcorp
Classification: Benign. Last evaluated: 2026-01-26. Review status: criteria provided, single submitter. Criteria: Invitae Variant Classification Sherloc (09022015). Collection method: clinical testing. Allele origin: germline.

Dept Of Ophthalmology, Nagoya University
Classification: Benign for Retinal dystrophy. Last evaluated: 2023-10-01. Review status: criteria provided, single submitter. Criteria: Submitter's publication. Collection method: research. Allele origin: germline. Affected: yes.

ARUP Laboratories, Molecular Genetics and Genomics, ARUP Laboratories
Classification: Likely benign for Retinitis pigmentosa 54. Last evaluated: 2019-08-30. Review status: criteria provided, single submitter. Criteria: ARUP Molecular Germline Variant Investigation Process. Collection method: clinical testing. Allele origin: germline.

Illumina Laboratory Services, Illumina
Classification: Likely benign for Retinitis pigmentosa. Last evaluated: 2018-01-13. Review status: criteria provided, single submitter. Criteria: ICSL Variant Classification Criteria 13 December 2019. Collection method: clinical testing. Allele origin: germline.
Comment: This variant was observed in the ICSL laboratory as part of a predisposition screen in an ostensibly healthy population. It had not been previously curated by ICSL or reported in the Human Gene Mutation Database (HGMD: prior to June 1st, 2018), and was therefore a candidate for classification through an automated scoring system. Utilizing variant allele frequency, disease prevalence and penetrance estimates, and inheritance mode, an automated score was calculated to assess if this variant is too frequent to cause the disease. Based on the score and internal cut-off values, a variant classified as likely benign is not then subjected to further curation. The score for this variant resulted in a classification of likely benign for this disease.

Center for Pediatric Genomic Medicine, Children's Mercy Hospital and Clinics
Classification: Likely benign. Last evaluated: 2017-05-30. Review status: criteria provided, single submitter. Criteria: ACMG Guidelines, 2015. Collection method: clinical testing. Allele origin: germline.

Clinical Genetics DNA and cytogenetics Diagnostics Lab, Erasmus MC, Erasmus Medical Center
Classification: Likely benign for Retinitis pigmentosa 54. Last evaluated: 2015-08-26. Review status: criteria provided, single submitter. Criteria: ACGS Guidelines, 2013. Collection method: clinical testing. Allele origin: germline. Affected: yes. Study: VKGL Data-share Consensus.

Eurofins Ntd Llc (ga)
Classification: Benign. Last evaluated: 2014-12-18. Review status: criteria provided, single submitter. Criteria: EGL Classification Definitions 2015. Collection method: clinical testing. Allele origin: germline. Observed: 1 variant allele, 1 heterozygote.

Breakthrough Genomics
Classification: Likely benign. Review status: criteria provided, single submitter. Criteria: ACMG Guidelines, 2015. Collection method: not provided. Allele origin: germline. Inheritance: Unknown mechanism. Affected: yes.

Clinical Genetics, Academic Medical Center
Classification: Benign. Review status: no assertion criteria provided. Collection method: clinical testing. Allele origin: germline. Affected: yes. Study: VKGL Data-share Consensus. Not counted in ClinVar's aggregate classification.

Laboratory of Diagnostic Genome Analysis, Leiden University Medical Center (LUMC)
Classification: Likely benign. Review status: no assertion criteria provided. Collection method: clinical testing. Allele origin: germline. Affected: yes. Study: VKGL Data-share Consensus. Not counted in ClinVar's aggregate classification.